The following is an entry in ClinVar:

ClinVar aggregate classification (germline): Uncertain significance (1 of 4 stars; one submission).

Allele frequency attached by ClinVar (database versions not stated): TOPMed below 0.00001.

Submission:

Labcorp Genetics (formerly Invitae), Labcorp
Classification: Uncertain significance. Last evaluated: 2022-06-13. Review status: criteria provided, single submitter. Criteria: Invitae Variant Classification Sherloc (09022015). Collection method: clinical testing. Allele origin: germline.
Comment: This sequence change falls in intron 8 of the CEP55 gene. It does not directly change the encoded amino acid sequence of the CEP55 protein. This variant is not present in population databases (gnomAD no frequency). This variant has not been reported in the literature in individuals affected with CEP55-related conditions. Algorithms developed to predict the effect of sequence changes on RNA splicing suggest that this variant may disrupt the consensus splice site. In summary, the available evidence is currently insufficient to determine the role of this variant in disease. Therefore, it has been classified as a Variant of Uncertain Significance.

NM_018131.5(CEP55):c.1192-5T>A

Gene: CEP55 (centrosomal protein 55; plus strand). Cytogenetic location: 10q23.33.
Variant type: single nucleotide variant.
Coding change: c.1192-5T>A on transcript NM_018131.5 (MANE Select); 5 bases into the intron before coding-DNA position 1192, T replaced by A.
Molecular consequence: intron variant.
Genome position (GRCh38, 1-based): chr10:93,527,945, T>A. VCF-style: chr10-93527945-T-A. GRCh37 (hg19) VCF-style: chr10-95287702-T-A.
Other names: c.1192-5T>A (NM_001127182.2).
Identifiers: ClinVar variation 2091301 (VCV002091301.1), dbSNP rs2057940972, ClinGen allele CA1928661644.
Genomic context (GRCh38, chr10:93,527,945, plus strand): 5'-AGAAAAAAAAAAAGCTGAACATTGGCCCTATTTACAAATTCTATTATTTGAAACTTATTT[T>A]TCAGAAACAGCTTCATGAGTTTGCCATCACAGAGCCATTAGTCACTTTCCAAGGAGAGAC-3'